The following is an entry in ClinVar:

NM_001005242.3(PKP2):c.1960A>G (p.Thr654Ala)

Gene: PKP2 (plakophilin 2; minus strand). Cytogenetic location: 12p11.21.
Variant type: single nucleotide variant.
Coding change: c.1960A>G on transcript NM_001005242.3 (MANE Select); coding-DNA position 1960, A replaced by G.
Protein change: p.Thr654Ala; replaces threonine 654 with alanine.
Molecular consequence: missense variant.
Genome position (GRCh38, 1-based): chr12:32,821,409, T>C on the plus strand (A>G on the coding strand, the complement: PKP2 is on the minus strand). VCF-style: chr12-32821409-T-C. GRCh37 (hg19) VCF-style: chr12-32974343-T-C.
Other names: c.2092A>G, p.Thr698Ala (NM_004572.4); short protein forms T698A, T654A.
Identifiers: ClinVar variation 926629 (VCV000926629.4), dbSNP rs1956375175, ClinGen allele CA384361704.

ClinVar aggregate classification (germline): Uncertain significance (1 of 4 stars; one submission).

Conditions:
Cardiomyopathy (CMYO). Also called: Cardiomyopathies. Identifiers: Orphanet 167848, MedGen C0878544, MONDO:0004994, HP:0001638. Inheritance: Various modes of inheritance.

Submission:

Color Diagnostics, LLC DBA Color Health
Classification: Uncertain significance for Cardiomyopathy. Last evaluated: 2024-03-06. Review status: criteria provided, single submitter. Criteria: ACMG Guidelines, 2015. Collection method: clinical testing. Allele origin: germline.
Comment: This missense variant replaces threonine with alanine at codon 698 of the PKP2 protein. Computational prediction suggests that this variant may have deleterious impact on protein structure and function (internally defined REVEL score threshold >= 0.7, PMID: 27666373). Splice site prediction tools suggest that this variant may not impact RNA splicing. To our knowledge, functional studies have not been performed for this variant. This variant has not been reported in individuals affected with cardiovascular disorders in the literature. This variant has not been identified in the general population by the Genome Aggregation Database (gnomAD). The available evidence is insufficient to determine the role of this variant in disease conclusively. Therefore, this variant is classified as a Variant of Uncertain Significance.